The following is an entry in ClinVar:

ClinVar aggregate classification (germline): Uncertain significance (1 of 4 stars; one submission).

Conditions:
Congenital myasthenic syndrome 4A. Also called: CONGENITAL MYASTHENIC SYNDROME TYPE Ia1; Myasthenic syndrome, congenital, 4a, slow-channel; MYASTHENIC SYNDROME, CONGENITAL, 4A, SLOW-CHANNEL, AUTOSOMAL RECESSIVE. Identifiers: Orphanet 590, MedGen C4225413, MONDO:0011600, OMIM 605809.

Submission:

Labcorp Genetics (formerly Invitae), Labcorp
Classification: Uncertain significance for Congenital myasthenic syndrome 4A. Last evaluated: 2022-03-09. Review status: criteria provided, single submitter. Criteria: Invitae Variant Classification Sherloc (09022015). Collection method: clinical testing. Allele origin: germline.
Comment: This variant is not present in population databases (gnomAD no frequency). In summary, the available evidence is currently insufficient to determine the role of this variant in disease. Therefore, it has been classified as a Variant of Uncertain Significance. Algorithms developed to predict the effect of sequence changes on RNA splicing suggest that this variant may disrupt the consensus splice site. This variant has not been reported in the literature in individuals affected with CHRNE-related conditions. This sequence change affects codon 182 of the CHRNE mRNA. It is a 'silent' change, meaning that it does not change the encoded amino acid sequence of the CHRNE protein.

NM_000080.4(CHRNE):c.546A>G (p.Val182=)

Genes: C17orf107 (chromosome 17 open reading frame 107; plus strand), CHRNE (cholinergic receptor nicotinic epsilon subunit; minus strand). Cytogenetic location: 17p13.2.
Variant type: single nucleotide variant.
Coding change: c.546A>G on transcript NM_000080.4 (MANE Select); coding-DNA position 546, A replaced by G.
Protein change: p.Val182=; no amino-acid change (valine 182 retained).
Molecular consequence: synonymous variant. On other transcripts: 3 prime UTR variant (1).
Genome position (GRCh38, 1-based): chr17:4,901,580, T>C on the plus strand (A>G on the coding strand, the complement: CHRNE is on the minus strand). VCF-style: chr17-4901580-T-C. GRCh37 (hg19) VCF-style: chr17-4804875-T-C.
Other names: c.*1047T>C (NM_001145536.2).
Identifiers: ClinVar variation 1969679 (VCV001969679.5), dbSNP rs1483147188, ClinGen allele CA497542255.